The following is an entry in ClinVar:

ClinVar aggregate classification (germline): Pathogenic/Likely pathogenic. Review status: criteria provided, multiple submitters, no conflicts (2 of 4 stars). 4 submissions from 4 submitters: Pathogenic (3); Likely pathogenic (1). Last evaluated 2025-10-31.

Conditions:
Hereditary breast ovarian cancer syndrome. Also called: Hereditary breast and ovarian cancer syndrome; Hereditary breast and ovarian cancer syndrome (HBOC); BRCA1- and BRCA2-Associated Hereditary Breast and Ovarian Cancer; Breast and ovarian cancer; Hereditary breast and ovarian cancer; Hereditary breast and/or ovarian cancer syndrome. Identifiers: Orphanet 145, MedGen C0677776, MeSH D061325, MONDO:0003582. Disease mechanism: loss of function.
Hereditary cancer-predisposing syndrome. Also called: Hereditary Cancer Syndrome; Hereditary neoplastic syndrome; Tumor predisposition; Neoplastic Syndromes, Hereditary. Identifiers: Orphanet 140162, MedGen C0027672, MeSH D009386, MONDO:0015356.
Breast-ovarian cancer, familial, susceptibility to, 1 (BROVCA1). Also called: OVARIAN CANCER, SUSCEPTIBILITY TO; BRCA1 Hereditary Breast and Ovarian Cancer. Identifiers: Orphanet 145, MedGen C2676676, MONDO:0011450, OMIM 604370. Disease mechanism: loss of function.

Allele frequency attached by ClinVar (database versions not stated): gnomAD exomes below 0.00001.
gnomAD v4.1: 1 of 1,611,078 alleles (0.000062%); highest among the groups gnomAD compares: South Asian, 0.0011%; no homozygotes.

Submissions (5):

Women's Health and Genetics/Laboratory Corporation of America, LabCorp
Classification: Pathogenic for Hereditary breast ovarian cancer syndrome. Last evaluated: 2025-10-31. Review status: criteria provided, single submitter. Criteria: LabCorp Variant Classification Summary - May 2015. Collection method: clinical testing. Allele origin: germline.
Comment: Variant summary: BRCA1 c.5153-2A>G is located in a canonical splice-site and is predicted to affect mRNA splicing resulting in a significantly altered protein due to either exon skipping, shortening, or inclusion of intronic material. Variants that disrupt the consensus splice site are a relatively common cause of aberrant splicing and loss of BRCA1 function. Several computational tools predict a significant impact on normal splicing: Four predict the variant abolishes a canonical 3' acceptor site. The variant was absent in 250880 control chromosomes. c.5153-2A>G has been observed in individual(s) affected with Hereditary Breast And Ovarian Cancer Syndrome (example: Rebbeck_2018). The following publication has been ascertained in the context of this evaluation (PMID: 29446198). ClinVar contains an entry for this variant (Variation ID: 185900). Based on the evidence outlined above, the variant was classified as pathogenic.

Labcorp Genetics (formerly Invitae), Labcorp
Classification: Pathogenic for Hereditary breast ovarian cancer syndrome. Last evaluated: 2024-12-23. Review status: criteria provided, single submitter. Criteria: Invitae Variant Classification Sherloc (09022015). Collection method: clinical testing. Allele origin: germline.
Comment: This sequence change affects an acceptor splice site in intron 17 of the BRCA1 gene. RNA analysis indicates that disruption of this splice site induces altered splicing and may result in an absent or altered protein product. This variant is not present in population databases (gnomAD no frequency). Disruption of this splice site has been observed in individual(s) with breast cancer (PMID: 23110154). ClinVar contains an entry for this variant (Variation ID: 185900). Based on a multifactorial likelihood algorithm using genetic, in silico, and/or statistical data, this variant has been determined to have a high probability of being pathogenic (PMID: 17924331, 21990134). Studies have shown that disruption of this splice site results in skipping of exon 18, and produces a non-functional protein and/or introduces a premature termination codon (internal data). For these reasons, this variant has been classified as Pathogenic.

Ambry Genetics
Classification: Likely pathogenic for Hereditary cancer-predisposing syndrome. Last evaluated: 2023-06-19. Review status: criteria provided, single submitter. Criteria: Ambry Variant Classification Scheme 2023. Collection method: clinical testing. Allele origin: germline.
Comment: The c.5153-2A>G intronic variant results from an A to G substitution two nucleotides upstream from coding exon 17 in the BRCA1 gene. This variant is considered to be rare based on population cohorts in the Genome Aggregation Database (gnomAD). This nucleotide position is highly conserved in available vertebrate species. In silico splice site analysis predicts that this alteration will weaken the native splice acceptor site. Alterations that disrupt the canonical splice site are expected to cause aberrant splicing, resulting in an abnormal protein or a transcript that is subject to nonsense-mediated mRNA decay. As such, this alteration is classified as likely pathogenic.

Consortium of Investigators of Modifiers of BRCA1/2 (CIMBA), c/o University of Cambridge
Classification: Pathogenic for Breast-ovarian cancer, familial, susceptibility to, 1. Last evaluated: 2015-10-02. Review status: criteria provided, single submitter. Criteria: CIMBA Mutation Classification guidelines May 2016. Collection method: clinical testing. Allele origin: germline.

Brotman Baty Institute, University of Washington
No classification provided (evidence only). Condition: Breast-ovarian cancer, familial 1. Review status: no classification provided. Collection method: in vitro. Allele origin: not applicable. Functional consequence: function_uncertain_variant. Not counted in ClinVar's aggregate classification.
ClinVar note: "not provided" was previously submitted as the classification for the variant. However, the classification appeared to be based only on an observation of functional data so it was converted to no classification on 2025-07-30.

Literature cited by the submitters: PubMed 29446198 (cited by Women's Health and Genetics/Laboratory Corporation of America, LabCorp); PubMed 23110154 (cited by Labcorp Genetics (formerly Invitae), Labcorp); PubMed 17924331 (cited by Labcorp Genetics (formerly Invitae), Labcorp); PubMed 21990134 (cited by Labcorp Genetics (formerly Invitae), Labcorp).

NM_007294.4(BRCA1):c.5153-2A>G

Gene: BRCA1 (BRCA1 DNA repair associated; minus strand). Cytogenetic location: 17q21.31.
Variant type: single nucleotide variant.
Coding change: c.5153-2A>G on transcript NM_007294.4 (MANE Select); the canonical splice acceptor site of the intron before coding-DNA position 5153, A replaced by G.
Molecular consequence: splice acceptor variant.
Genome position (GRCh38, 1-based): chr17:43,063,375, T>C on the plus strand (A>G on the coding strand, the complement: BRCA1 is on the minus strand). VCF-style: chr17-43063375-T-C. GRCh37 (hg19) VCF-style: chr17-41215392-T-C.
Other names: c.1505-2A>G (NM_001408508.1); c.1631-2A>G (NM_001408491.1, NM_001408481.1, NM_001408483.1 and 5 more transcripts); c.4937-2A>G (NM_001407918.1, NM_001407915.1, NM_001407916.1 and 1 more transcripts); c.4940-2A>G (NM_001407894.1, NM_001407909.1, NM_001407906.1 and 12 more transcripts); c.4814-2A>G (NM_001407957.1, NM_001407958.1, NM_001407956.1); c.4817-2A>G (NM_001407953.1, NM_001407955.1, NM_001407951.1 and 3 more transcripts); c.4820-2A>G (NM_001407949.1, NM_001407946.1, NM_001407947.1 and 1 more transcripts); c.1517-2A>G (NM_001408506.1); and 72 more.
Identifiers: ClinVar variation 185900 (VCV000185900.18), dbSNP rs786202545, ClinGen allele CA003300.